The following is an entry in ClinVar:

ClinVar aggregate classification (germline): Conflicting classifications of pathogenicity. Review status: criteria provided, conflicting classifications (1 of 4 stars). 2 submissions from 2 submitters: Likely pathogenic (1); Uncertain significance (1). Last evaluated 2026-07-01.

Conditions:
Glycogen storage disease, type II (IOPD). Also called: CARDIOMEGALIA GLYCOGENICA DIFFUSA; GLYCOGENOSIS, GENERALIZED, CARDIAC FORM; GSD II; Glycogen storage disease type 2; Acid maltase deficiency disease; Aglucosidase alfa. Identifiers: Orphanet 365, MedGen C0017921, MONDO:0009290, OMIM 232300.

Submissions (2):

Genomenon, Inc
Classification: Uncertain significance for Glycogen storage disease, type II. Last evaluated: 2026-07-01. Review status: criteria provided, single submitter. Criteria: Genomenon Sequence Variant Interpretation Standards - Updated. Collection method: curation. Allele origin: germline.
Comment: GAA p.Gly643Ala (c.1928G>C) is a missense variant that changes the amino acid at codon 643 from Glycine to Alanine. This variant has been reported in the compound heterozygous and/or homozygous state in an individual without a confirmed diagnosis of Pompe disease (PMID:38186848). It is absent or not present at a significant frequency in gnomAD. In silico models predict that this variant is possibly or probably damaging. In conclusion, we classify GAA p.Gly643Ala (c.1928G>C) as a variant of uncertain significance.

Labcorp Genetics (formerly Invitae), Labcorp
Classification: Likely pathogenic for Glycogen storage disease, type II. Last evaluated: 2023-05-17. Review status: criteria provided, single submitter. Criteria: Invitae Variant Classification Sherloc (09022015). Collection method: clinical testing. Allele origin: germline.
Comment: In summary, the currently available evidence indicates that the variant is pathogenic, but additional data are needed to prove that conclusively. Therefore, this variant has been classified as Likely Pathogenic. This variant disrupts the p.Gly643 amino acid residue in GAA. Other variant(s) that disrupt this residue have been determined to be pathogenic (PMID: 8401535, 18607768, 24158270). This suggests that this residue is clinically significant, and that variants that disrupt this residue are likely to be disease-causing. Advanced modeling of protein sequence and biophysical properties (such as structural, functional, and spatial information, amino acid conservation, physicochemical variation, residue mobility, and thermodynamic stability) performed at Invitae indicates that this missense variant is expected to disrupt GAA protein function. This variant has not been reported in the literature in individuals affected with GAA-related conditions. This variant is not present in population databases (gnomAD no frequency). This sequence change replaces glycine, which is neutral and non-polar, with alanine, which is neutral and non-polar, at codon 643 of the GAA protein (p.Gly643Ala).

Literature cited by the submitters: PubMed 38186848 (cited by Genomenon, Inc); PubMed 8401535 (cited by Labcorp Genetics (formerly Invitae), Labcorp); PubMed 18607768 (cited by Labcorp Genetics (formerly Invitae), Labcorp); PubMed 24158270 (cited by Labcorp Genetics (formerly Invitae), Labcorp).

NM_000152.5(GAA):c.1928G>C (p.Gly643Ala)

Gene: GAA (alpha glucosidase; plus strand). Cytogenetic location: 17q25.3.
Variant type: single nucleotide variant.
Coding change: c.1928G>C on transcript NM_000152.5 (MANE Select); coding-DNA position 1928, G replaced by C.
Protein change: p.Gly643Ala; replaces glycine 643 with alanine.
Molecular consequence: missense variant.
Genome position (GRCh38, 1-based): chr17:80,112,915, G>C. VCF-style: chr17-80112915-G-C. GRCh37 (hg19) VCF-style: chr17-78086714-G-C.
Other names: c.1928G>C, p.Gly643Ala (NM_001079803.3, NM_001079804.3, NM_001406741.1 and 1 more transcripts); short protein forms G643A.
Identifiers: ClinVar variation 2865261 (VCV002865261.4), dbSNP rs2510383208, ClinGen allele CA401369900.